The following is an entry in ClinVar:

ClinVar aggregate classification (germline): Uncertain significance (1 of 4 stars; one submission).

Conditions:
Nemaline myopathy 2 (NEM2). Also called: Nemaline myopathy 2, autosomal recessive. Identifiers: MedGen C1850569, MONDO:0009725, OMIM 256030.

Submission:

Labcorp Genetics (formerly Invitae), Labcorp
Classification: Uncertain significance for Nemaline myopathy 2. Last evaluated: 2024-02-23. Review status: criteria provided, single submitter. Criteria: Invitae Variant Classification Sherloc (09022015). Collection method: clinical testing. Allele origin: germline.
Comment: This sequence change replaces serine, which is neutral and polar, with arginine, which is basic and polar, at codon 2999 of the NEB protein (p.Ser2999Arg). This variant is not present in population databases (gnomAD no frequency). This variant has not been reported in the literature in individuals affected with NEB-related conditions. ClinVar contains an entry for this variant (Variation ID: 1413983). Experimental studies and prediction algorithms are not available or were not evaluated, and the functional significance of this variant is currently unknown. In summary, the available evidence is currently insufficient to determine the role of this variant in disease. Therefore, it has been classified as a Variant of Uncertain Significance.

NM_001164508.2(NEB):c.8997T>A (p.Ser2999Arg)

Gene: NEB (nebulin; minus strand). Cytogenetic location: 2q23.3.
Variant type: single nucleotide variant.
Coding change: c.8997T>A on transcript NM_001164508.2 (MANE Select); coding-DNA position 8997, T replaced by A.
Protein change: p.Ser2999Arg; replaces serine 2999 with arginine.
Molecular consequence: missense variant. On other transcripts: intron variant (1).
Genome position (GRCh38, 1-based): chr2:151,636,332, A>T on the plus strand (T>A on the coding strand, the complement: NEB is on the minus strand). VCF-style: chr2-151636332-A-T. GRCh37 (hg19) VCF-style: chr2-152492846-A-T.
Other names: c.8997T>A, p.Ser2999Arg (NM_001164507.2, NM_001271208.2); c.8853+3561T>A (NM_004543.5); short protein forms S2999R.
Identifiers: ClinVar variation 1413983 (VCV001413983.8), dbSNP rs2154090899, ClinGen allele CA348805880.